The following is an entry in ClinVar:

NM_001369.3(DNAH5):c.8691T>A (p.Tyr2897Ter)

Gene: DNAH5 (dynein axonemal heavy chain 5; minus strand). Cytogenetic location: 5p15.2.
Variant type: single nucleotide variant.
Coding change: c.8691T>A on transcript NM_001369.3 (MANE Select); coding-DNA position 8691, T replaced by A.
Protein change: p.Tyr2897Ter; replaces tyrosine 2897 with a stop codon.
Molecular consequence: nonsense.
Genome position (GRCh38, 1-based): chr5:13,786,308, A>T on the plus strand (T>A on the coding strand, the complement: DNAH5 is on the minus strand). VCF-style: chr5-13786308-A-T. GRCh37 (hg19) VCF-style: chr5-13786417-A-T.
Other names: short protein forms Y2897*.
Identifiers: ClinVar variation 1725159 (VCV001725159.2), dbSNP rs2546713542, ClinGen allele CA359215541.

ClinVar aggregate classification (germline): Likely pathogenic (1 of 4 stars; one submission).

Conditions:
Primary ciliary dyskinesia 3. Identifiers: Orphanet 244, MedGen C1837618, MONDO:0012085, OMIM 608644.

Submission:

Myriad Genetics, Inc.
Classification: Likely pathogenic for Primary ciliary dyskinesia 3. Last evaluated: 2021-12-01. Review status: criteria provided, single submitter. Criteria: Myriad Women's Health Autosomal Recessive and X-Linked Classification Criteria (2021). Collection method: clinical testing. Allele origin: unknown.
Comment: NM_001369.2(DNAH5):c.8691T>A(Y2897*) is expected to be pathogenic in the context of DNAH5-related primary ciliary dyskinesia. This variant is predicted to lead to an abnormal or absent protein product due to the creation of a premature termination codon in DNAH5, a gene where loss-of-function variants are known to be pathogenic. Please note: this variant was assessed in the context of healthy population screening.